The following is an entry in ClinVar:

NM_001122681.2(SH3BP2):c.509del (p.Asp170fs)

Gene: SH3BP2 (SH3 domain binding protein 2; plus strand). Cytogenetic location: 4p16.3.
Variant type: Deletion.
Coding change: c.509del on transcript NM_001122681.2 (MANE Select); coding-DNA position 509, one base deleted (A; older notation c.509delA).
Protein change: p.Asp170fs; shifts the reading frame from aspartic acid 170.
Molecular consequence: frameshift variant.
Genome position (GRCh38, 1-based): chr4:2,827,310, A deleted. VCF-style (leftmost placement, unchanged base first): chr4-2827309-GA-G. GRCh37 (hg19) VCF-style: chr4-2829036-GA-G.
Other names: c.593del, p.Asp198fs (NM_001145855.2); c.680del, p.Asp227fs (NM_001145856.2); c.509del, p.Asp170fs (NM_003023.4); short protein forms D198fs, D170fs, D227fs.
Identifiers: ClinVar variation 1352282 (VCV001352282.6), dbSNP rs2108735431, ClinGen allele CA2573137484.

ClinVar aggregate classification (germline): Uncertain significance (1 of 4 stars; one submission).

Conditions:
Fibrous dysplasia of jaw (CRBM). Also called: Cherubism. Identifiers: Orphanet 184, MedGen C0008029, MONDO:0007315, OMIM 118400.

Submission:

Labcorp Genetics (formerly Invitae), Labcorp
Classification: Uncertain significance for Fibrous dysplasia of jaw. Last evaluated: 2021-05-08. Review status: criteria provided, single submitter. Criteria: Invitae Variant Classification Sherloc (09022015). Collection method: clinical testing. Allele origin: germline.
Comment: This variant is not present in population databases (ExAC no frequency). This sequence change creates a premature translational stop signal (p.Asp170Alafs*29) in the SH3BP2 gene. It is expected to result in an absent or disrupted protein product. However, the current clinical and genetic evidence is not sufficient to establish whether loss-of-function variants in SH3BP2 cause disease. This variant has not been reported in the literature in individuals with SH3BP2-related conditions. In summary, the available evidence is currently insufficient to determine the role of this variant in disease. Therefore, it has been classified as a Variant of Uncertain Significance.